The following is an entry in ClinVar:

ClinVar aggregate classification (germline): Uncertain significance (1 of 4 stars; one submission).

gnomAD v4.1: 129 of 1,603,484 alleles (0.008%); highest among the groups gnomAD compares: Non-Finnish European, 0.01%; no homozygotes.

Submission:

Labcorp Genetics (formerly Invitae), Labcorp
Classification: Uncertain significance. Last evaluated: 2024-08-11. Review status: criteria provided, single submitter. Criteria: Invitae Variant Classification Sherloc (09022015). Collection method: clinical testing. Allele origin: germline.
Comment: This sequence change replaces proline, which is neutral and non-polar, with serine, which is neutral and polar, at codon 825 of the BUB1 protein (p.Pro825Ser). This variant is present in population databases (rs748392521, gnomAD 0.01%). This missense change has been observed in individual(s) with BUB1-related conditions (PMID: 29448935, 32635641). Experimental studies and prediction algorithms are not available or were not evaluated, and the functional significance of this variant is currently unknown. In summary, the available evidence is currently insufficient to determine the role of this variant in disease. Therefore, it has been classified as a Variant of Uncertain Significance.

Literature cited by the submitters: PubMed 29448935; PubMed 32635641.

NM_004336.5(BUB1):c.2473C>T (p.Pro825Ser)

Gene: BUB1 (BUB1 mitotic checkpoint serine/threonine kinase; minus strand). Cytogenetic location: 2q13.
Variant type: single nucleotide variant.
Coding change: c.2473C>T on transcript NM_004336.5 (MANE Select); coding-DNA position 2473, C replaced by T.
Protein change: p.Pro825Ser; replaces proline 825 with serine.
Molecular consequence: missense variant.
Genome position (GRCh38, 1-based): chr2:110,641,794, G>A on the plus strand (C>T on the coding strand, the complement: BUB1 is on the minus strand). VCF-style: chr2-110641794-G-A. GRCh37 (hg19) VCF-style: chr2-111399371-G-A.
Other names: c.2413C>T, p.Pro805Ser (NM_001278616.2); c.2473C>T, p.Pro825Ser (NM_001278617.2); short protein forms P825S, P805S.
Identifiers: ClinVar variation 3704367 (VCV003704367.2).